The following is an entry in ClinVar:

NM_000540.3(RYR1):c.12879G>C (p.Ala4293=)

Gene: RYR1 (ryanodine receptor 1; plus strand). Cytogenetic location: 19q13.2.
Variant type: single nucleotide variant.
Coding change: c.12879G>C on transcript NM_000540.3 (MANE Select); coding-DNA position 12879, G replaced by C.
Protein change: p.Ala4293=; no amino-acid change (alanine 4293 retained).
Molecular consequence: synonymous variant.
Genome position (GRCh38, 1-based): chr19:38,565,213, G>C. VCF-style: chr19-38565213-G-C. GRCh37 (hg19) VCF-style: chr19-39055853-G-C.
Other names: p.Ala4293=; c.12864G>C, p.Ala4288= (NM_001042723.2).
Identifiers: ClinVar variation 93249 (VCV000093249.70), dbSNP rs193922854, ClinGen allele CA024015.

ClinVar aggregate classification (germline): Conflicting classifications of pathogenicity. Review status: criteria provided, conflicting classifications (1 of 4 stars). 17 submissions from 15 submitters: Uncertain significance (6); Benign (3); Likely benign (3). 5 of the submissions do not count toward it. Last evaluated 2026-02-04.

Conditions:
RYR1-related disorder. Also called: RYR1-related disorders; RYR1-related condition. Identifiers: MedGen CN239331.
Malignant hyperthermia of anesthesia. Also called: Anesthesic-triggered malignant hyperthermia. Identifiers: Orphanet 423, MedGen C0024591, MONDO:0018493, HP:0034733.
Malignant hyperthermia, susceptibility to, 1 (MHS1). Also called: RYR1-Related Malignant Hyperthermia Susceptibility; Anesthesia related hyperthermia; Malignant hyperpyrexia; Fulminating hyperpyrexia; Pharmacogenic myopathy; Malignant hyperthermia suceptibility 1. Identifiers: Orphanet 423, MedGen C2930980, MONDO:0007783, OMIM 145600.
Congenital multicore myopathy with external ophthalmoplegia (CMYO1B). Also called: MULTICORE MYOPATHY; Minicore myopathy with external ophthalmoplegia; MULTIMINICORE DISEASE WITH EXTERNAL OPHTHALMOPLEGIA; Congenital myopathy 1B, autosomal recessive; Minicore myopathy. Identifiers: Orphanet 598, Orphanet 98905, MedGen C1850674, MONDO:0009712, OMIM 255320, HP:0003789.
Central core myopathy (CMYO1A). Also called: CONGENITAL MYOPATHY 1A, AUTOSOMAL DOMINANT, WITH SUSCEPTIBILITY TO MALIGNANT HYPERTHERMIA; Central core disease; Myopathy, central fibrillar. Identifiers: Orphanet 597, MedGen C5830701, MONDO:0007294, OMIM 117000.

Allele frequency attached by ClinVar (database versions not stated): ExAC below 0.00001; 1000 Genomes Project 0.00020; 1000 Genomes Project 30x 0.00375; gnomAD exomes 0.00654 and 0.01667; TOPMed 0.00761; gnomAD 0.00837 and 0.00873.
gnomAD v4.1: 15,170 of 994,122 alleles (1.5%); highest among the groups gnomAD compares: Non-Finnish European, 1.7%; 126 homozygotes.

Submissions (17):

Labcorp Genetics (formerly Invitae), Labcorp
Classification: Likely benign for RYR1-related disorder. Last evaluated: 2026-02-04. Review status: criteria provided, single submitter. Criteria: Invitae Variant Classification Sherloc (09022015). Collection method: clinical testing. Allele origin: germline.

Blueprint Genetics
Classification: Likely benign. Last evaluated: 2024-11-25. Review status: criteria provided, single submitter. Criteria: ACMG Guidelines, 2015. Collection method: clinical testing. Allele origin: germline.

CeGaT Center for Human Genetics Tuebingen
Classification: Benign. Last evaluated: 2024-08-01. Review status: criteria provided, single submitter. Criteria: CeGaT Center For Human Genetics Tuebingen Variant Classification Criteria Version 2. Collection method: clinical testing. Allele origin: germline. Affected: yes. Observed: 31 variant alleles.
Comment: RYR1: BP4, BP7, BS1, BS2

Mayo Clinic Laboratories, Mayo Clinic
Classification: Benign. Last evaluated: 2023-04-19. Review status: criteria provided, single submitter. Criteria: ACMG Guidelines, 2015. Collection method: clinical testing. Allele origin: germline. Observed: 18 variant alleles.
Comment: BS1, BS2, BP4, BP7

Illumina Laboratory Services, Illumina
Classification: Uncertain significance for Central core myopathy. Last evaluated: 2018-01-12. Review status: criteria provided, single submitter. Criteria: ICSL Variant Classification Criteria 13 December 2019. Collection method: clinical testing. Allele origin: germline.

Illumina Laboratory Services, Illumina
Classification: Uncertain significance for Malignant hyperthermia, susceptibility to, 1. Last evaluated: 2018-01-12. Review status: criteria provided, single submitter. Criteria: ICSL Variant Classification Criteria 13 December 2019. Collection method: clinical testing. Allele origin: germline.

Illumina Laboratory Services, Illumina
Classification: Uncertain significance for Congenital multicore myopathy with external ophthalmoplegia. Last evaluated: 2018-01-12. Review status: criteria provided, single submitter. Criteria: ICSL Variant Classification Criteria 13 December 2019. Collection method: clinical testing. Allele origin: germline.

GeneDx
Classification: Benign. Last evaluated: 2017-12-12. Review status: criteria provided, single submitter. Criteria: GeneDx Variant Classification (06012015). Collection method: clinical testing. Allele origin: germline. Affected: yes.
Comment: This variant is considered likely benign or benign based on one or more of the following criteria: it is a conservative change, it occurs at a poorly conserved position in the protein, it is predicted to be benign by multiple in silico algorithms, and/or has population frequency not consistent with disease.

Eurofins Ntd Llc (ga)
Classification: Uncertain significance. Last evaluated: 2016-05-11. Review status: criteria provided, single submitter. Criteria: EGL Classification Definitions 2015. Collection method: clinical testing. Allele origin: germline. Observed: 7 variant alleles, 7 heterozygotes.

Genetic Services Laboratory, University of Chicago
Classification: Likely benign. Last evaluated: 2016-03-15. Review status: criteria provided, single submitter. Criteria: ACMG Guidelines, 2015. Collection method: clinical testing. Allele origin: germline. Affected: no.

CSER _CC_NCGL, University of Washington
Classification: Uncertain significance for Malignant hyperthermia. Last evaluated: 2016-01-01. Review status: criteria provided, single submitter. Criteria: Amendola et al. (Genome Res. 2015). Collection method: research. Allele origin: germline. Inheritance: Autosomal dominant inheritance. Study: CSER - NEXT Medicine variant annotation.
Comment: No known history of Malignant Hyperthermia. Low quality site, poor coverage in ExAc database. .GERP=-2.84.ExAC Alt Allele Frequencies=AFR:unknown,NFE:0.0%,EAS:unknown,SAS:unknown,FIN:unknown,AMR:unknown,OTH:unknown. The variant was found in publications with the following PMIDs:16917943

Knight Diagnostic Laboratories, Oregon Health and Sciences University
Classification: Uncertain significance for Malignant hyperthermia, susceptibility to, 1. Last evaluated: 2015-09-26. Review status: criteria provided, single submitter. Criteria: ACMG Guidelines, 2015. Collection method: clinical testing. Allele origin: germline. Affected: no. Study: CSER-NextGen.

PreventionGenetics, part of Exact Sciences
Classification: Benign for RYR1-related condition. Last evaluated: 2021-07-25. Review status: no assertion criteria provided. Collection method: clinical testing. Allele origin: germline. Not counted in ClinVar's aggregate classification.
Comment: This variant is classified as benign based on ACMG/AMP sequence variant interpretation guidelines (Richards et al. 2015 PMID: 25741868, with internal and published modifications).

Clinical Genetics DNA and cytogenetics Diagnostics Lab, Erasmus MC, Erasmus Medical Center
Classification: Likely benign. Review status: no assertion criteria provided. Collection method: clinical testing. Allele origin: germline. Affected: yes. Study: VKGL Data-share Consensus. Not counted in ClinVar's aggregate classification.

Joint Genome Diagnostic Labs from Nijmegen and Maastricht, Radboudumc and MUMC+
Classification: Likely benign. Review status: no assertion criteria provided. Collection method: clinical testing. Allele origin: germline. Affected: yes. Study: VKGL Data-share Consensus. Not counted in ClinVar's aggregate classification.

Laboratory of Diagnostic Genome Analysis, Leiden University Medical Center (LUMC)
Classification: Likely benign. Review status: no assertion criteria provided. Collection method: clinical testing. Allele origin: germline. Affected: yes. Study: VKGL Data-share Consensus. Not counted in ClinVar's aggregate classification.

RYR1 database
No classification provided. Review status: no classification provided. Collection method: not provided. Allele origin: unknown. Not counted in ClinVar's aggregate classification.

Literature cited by the submitters: PubMed 16917943 (cited by Eurofins Ntd Llc (ga)).